The following is an entry in ClinVar:

ClinVar aggregate classification (germline): Uncertain significance. Review status: criteria provided, multiple submitters, no conflicts (2 of 4 stars). 2 submissions from 2 submitters: Uncertain significance (2). Last evaluated 2025-08-25.

Conditions:
Aicardi-Goutieres syndrome 6 (AGS6). Identifiers: Orphanet 51, MedGen C3539013, MONDO:0014007, OMIM 615010.
Symmetrical dyschromatosis of extremities (DSH). Also called: DYSCHROMATOSIS SYMMETRICA HEREDITARIA 1; RETICULATE ACROPIGMENTATION OF DOHI; SYMMETRIC DYSCHROMATOSIS OF THE EXTREMITIES; Dyschromatosis symmetrica hereditaria. Identifiers: Orphanet 41, MedGen C0406775, MONDO:0007483, OMIM 127400.
Inborn genetic diseases. Identifiers: MedGen C0950123, MeSH D030342.

Allele frequency attached by ClinVar (database versions not stated): gnomAD 0.00002; gnomAD exomes 0.00003; ExAC 0.00002; TOPMed 0.00003.
gnomAD v4.1: 45 of 1,614,096 alleles (0.0028%); highest among the groups gnomAD compares: Non-Finnish European, 0.0036%; no homozygotes.

Submissions (2):

Labcorp Genetics (formerly Invitae), Labcorp
Classification: Uncertain significance for Aicardi-Goutieres syndrome 6; Symmetrical dyschromatosis of extremities. Last evaluated: 2025-08-25. Review status: criteria provided, single submitter. Criteria: Invitae Variant Classification Sherloc (09022015). Collection method: clinical testing. Allele origin: germline.
Comment: This sequence change replaces threonine, which is neutral and polar, with alanine, which is neutral and non-polar, at codon 589 of the ADAR protein (p.Thr589Ala). This variant is present in population databases (rs764506305, gnomAD 0.005%). This variant has not been reported in the literature in individuals affected with ADAR-related conditions. ClinVar contains an entry for this variant (Variation ID: 971917). Invitae Evidence Modeling of protein sequence and biophysical properties (such as structural, functional, and spatial information, amino acid conservation, physicochemical variation, residue mobility, and thermodynamic stability) indicates that this missense variant is not expected to disrupt ADAR protein function with a negative predictive value of 80%. In summary, the available evidence is currently insufficient to determine the role of this variant in disease. Therefore, it has been classified as a Variant of Uncertain Significance.

Ambry Genetics
Classification: Uncertain significance for Inborn genetic diseases. Last evaluated: 2025-02-19. Review status: criteria provided, single submitter. Criteria: Ambry Variant Classification Scheme 2023. Collection method: clinical testing. Allele origin: germline.

NM_001111.5(ADAR):c.1765A>G (p.Thr589Ala)

Gene: ADAR (adenosine deaminase RNA specific; minus strand). Cytogenetic location: 1q21.3.
Variant type: single nucleotide variant.
Coding change: c.1765A>G on transcript NM_001111.5 (MANE Select); coding-DNA position 1765, A replaced by G.
Protein change: p.Thr589Ala; replaces threonine 589 with alanine.
Molecular consequence: missense variant.
Genome position (GRCh38, 1-based): chr1:154,598,422, T>C on the plus strand (A>G on the coding strand, the complement: ADAR is on the minus strand). VCF-style: chr1-154598422-T-C. GRCh37 (hg19) VCF-style: chr1-154570898-T-C.
Other names: c.880A>G, p.Thr294Ala (NM_001025107.3, NM_001193495.2, NM_001365046.1 and 3 more transcripts); c.1792A>G, p.Thr598Ala (NM_001365045.1); c.1765A>G, p.Thr589Ala (NM_015840.4, NM_015841.4); short protein forms T294A, T598A, T589A.
Identifiers: ClinVar variation 971917 (VCV000971917.8), dbSNP rs764506305, ClinGen allele CA1131488.